The following is an entry in ClinVar:

ClinVar aggregate classification (germline): Uncertain significance. Review status: criteria provided, multiple submitters, no conflicts (2 of 4 stars). 2 submissions from 2 submitters: Uncertain significance (2). Last evaluated 2024-11-05.

Conditions:
Hereditary cancer-predisposing syndrome. Also called: Hereditary Cancer Syndrome; Tumor predisposition; Hereditary neoplastic syndrome; Neoplastic Syndromes, Hereditary. Identifiers: Orphanet 140162, MedGen C0027672, MeSH D009386, MONDO:0015356.
Bloom syndrome (BLM). Also called: Bloom-Torre-Machacek syndrome. Identifiers: Orphanet 125, MedGen C0005859, MONDO:0008876, OMIM 210900.

Submissions (2):

Ambry Genetics
Classification: Uncertain significance for Hereditary cancer-predisposing syndrome. Last evaluated: 2024-11-05. Review status: criteria provided, single submitter. Criteria: Ambry Variant Classification Scheme 2023. Collection method: clinical testing. Allele origin: germline.
Comment: The p.P1412T variant (also known as c.4234C>A), located in coding exon 21 of the BLM gene, results from a C to A substitution at nucleotide position 4234. The proline at codon 1412 is replaced by threonine, an amino acid with highly similar properties. This amino acid position is conserved. In addition, this alteration is predicted to be deleterious by in silico analysis. Based on the available evidence, the clinical significance of this variant remains unclear.

Labcorp Genetics (formerly Invitae), Labcorp
Classification: Uncertain significance for Bloom syndrome. Last evaluated: 2020-09-24. Review status: criteria provided, single submitter. Criteria: Invitae Variant Classification Sherloc (09022015). Collection method: clinical testing. Allele origin: germline.
Comment: In summary, the available evidence is currently insufficient to determine the role of this variant in disease. Therefore, it has been classified as a Variant of Uncertain Significance. Algorithms developed to predict the effect of missense changes on protein structure and function are either unavailable or do not agree on the potential impact of this missense change (SIFT: "Tolerated"; PolyPhen-2: "Probably Damaging"; Align-GVGD: "Class C0"). This variant has not been reported in the literature in individuals with BLM-related conditions. This variant is not present in population databases (ExAC no frequency). This sequence change replaces proline with threonine at codon 1412 of the BLM protein (p.Pro1412Thr). The proline residue is moderately conserved and there is a small physicochemical difference between proline and threonine.

NM_000057.4(BLM):c.4234C>A (p.Pro1412Thr)

Gene: BLM (BLM RecQ like helicase; plus strand). Cytogenetic location: 15q26.1.
Variant type: single nucleotide variant.
Coding change: c.4234C>A on transcript NM_000057.4 (MANE Select); coding-DNA position 4234, C replaced by A.
Protein change: p.Pro1412Thr; replaces proline 1412 with threonine.
Molecular consequence: missense variant.
Genome position (GRCh38, 1-based): chr15:90,815,259, C>A. VCF-style: chr15-90815259-C-A. GRCh37 (hg19) VCF-style: chr15-91358489-C-A.
Other names: c.4234C>A (NM_000057.2); c.4234C>A, p.Pro1412Thr (NM_001287246.2); c.3841C>A, p.Pro1281Thr (NM_001287247.2); c.3109C>A, p.Pro1037Thr (NM_001287248.2); short protein forms P1281T, P1037T, P1412T.
Identifiers: ClinVar variation 1044394 (VCV001044394.10), dbSNP rs1249221595, ClinGen allele CA393853271.